The following is an entry in ClinVar:

NM_004211.5(SLC6A5):c.468G>C (p.Gln156His)

Gene: SLC6A5 (solute carrier family 6 member 5; plus strand). Cytogenetic location: 11p15.1.
Variant type: single nucleotide variant.
Coding change: c.468G>C on transcript NM_004211.5 (MANE Select); coding-DNA position 468, G replaced by C.
Protein change: p.Gln156His; replaces glutamine 156 with histidine.
Molecular consequence: missense variant. On other transcripts: 5 prime UTR variant (1).
Genome position (GRCh38, 1-based): chr11:20,601,593, G>C. VCF-style: chr11-20601593-G-C. GRCh37 (hg19) VCF-style: chr11-20623139-G-C.
Other names: c.468G>C (NM_004211.3); c.-96G>C (NM_001318369.2); short protein forms Q156H.
Identifiers: ClinVar variation 1980308 (VCV001980308.5), dbSNP rs756674127, ClinGen allele CA5921089.

ClinVar aggregate classification (germline): Uncertain significance. Review status: criteria provided, multiple submitters, no conflicts (2 of 4 stars). 2 submissions from 2 submitters: Uncertain significance (2). Last evaluated 2026-05-14.

Conditions:
Inborn genetic diseases. Identifiers: MedGen C0950123, MeSH D030342.
Hyperekplexia 3 (HKPX3). Also called: HYPEREKPLEXIA 3, AUTOSOMAL RECESSIVE; HYPEREKPLEXIA 3, AUTOSOMAL DOMINANT. Identifiers: Orphanet 3197, MedGen C3553288, MONDO:0013827, OMIM 614618.

Allele frequency attached by ClinVar (database versions not stated): gnomAD exomes 0.00001; TOPMed 0.00002; ExAC 0.00003.
gnomAD v4.1: 9 of 1,614,148 alleles (0.00056%); highest among the groups gnomAD compares: Admixed American, 0.01%; no homozygotes.

Submissions (2):

Ambry Genetics
Classification: Uncertain significance for Inborn genetic diseases. Last evaluated: 2026-05-14. Review status: criteria provided, single submitter. Criteria: Ambry Variant Classification Scheme 2023. Collection method: clinical testing. Allele origin: germline.

Labcorp Genetics (formerly Invitae), Labcorp
Classification: Uncertain significance for Hyperekplexia 3. Last evaluated: 2022-10-03. Review status: criteria provided, single submitter. Criteria: Invitae Variant Classification Sherloc (09022015). Collection method: clinical testing. Allele origin: germline.
Comment: In summary, the available evidence is currently insufficient to determine the role of this variant in disease. Therefore, it has been classified as a Variant of Uncertain Significance. Algorithms developed to predict the effect of missense changes on protein structure and function are either unavailable or do not agree on the potential impact of this missense change (SIFT: "Deleterious"; PolyPhen-2: "Possibly Damaging"; Align-GVGD: "Class C0"). This variant has not been reported in the literature in individuals affected with SLC6A5-related conditions. This variant is present in population databases (rs756674127, gnomAD 0.009%). This sequence change replaces glutamine, which is neutral and polar, with histidine, which is basic and polar, at codon 156 of the SLC6A5 protein (p.Gln156His).